The following is an entry in ClinVar:

ClinVar aggregate classification (germline): Likely pathogenic. Review status: criteria provided, multiple submitters, no conflicts (2 of 4 stars). 2 submissions from 2 submitters: Likely pathogenic (2). Last evaluated 2024-01-27.

Conditions:
Schimke immuno-osseous dysplasia (SIOD). Also called: Schimke Immunoosseous Dysplasia. Identifiers: Orphanet 1830, MedGen C0877024, MONDO:0009458, OMIM 242900.

Submissions (2):

Fulgent Genetics
Classification: Likely pathogenic for Schimke immuno-osseous dysplasia. Last evaluated: 2024-01-27. Review status: criteria provided, single submitter. Criteria: ACMG Guidelines, 2015. Collection method: clinical testing. Allele origin: germline.

Labcorp Genetics (formerly Invitae), Labcorp
Classification: Likely pathogenic for Schimke immuno-osseous dysplasia. Last evaluated: 2023-12-11. Review status: criteria provided, single submitter. Criteria: Invitae Variant Classification Sherloc (09022015). Collection method: clinical testing. Allele origin: germline.
Comment: This sequence change affects a donor splice site in intron 10 of the SMARCAL1 gene. It is expected to disrupt RNA splicing. Variants that disrupt the donor or acceptor splice site typically lead to a loss of protein function (PMID: 16199547), and loss-of-function variants in SMARCAL1 are known to be pathogenic (PMID: 11799392, 20301550). This variant is not present in population databases (gnomAD no frequency). This variant has not been reported in the literature in individuals affected with SMARCAL1-related conditions. Algorithms developed to predict the effect of sequence changes on RNA splicing suggest that this variant may disrupt the consensus splice site. In summary, the currently available evidence indicates that the variant is pathogenic, but additional data are needed to prove that conclusively. Therefore, this variant has been classified as Likely Pathogenic.

Literature cited by the submitters: PubMed 16199547 (cited by Labcorp Genetics (formerly Invitae), Labcorp); PubMed 11799392 (cited by Labcorp Genetics (formerly Invitae), Labcorp); PubMed 20301550 (cited by Labcorp Genetics (formerly Invitae), Labcorp).

NM_014140.4(SMARCAL1):c.1710+2T>C

Gene: SMARCAL1 (SNF2 related chromatin remodeling annealing helicase 1; plus strand). Cytogenetic location: 2q35.
Variant type: single nucleotide variant.
Coding change: c.1710+2T>C on transcript NM_014140.4 (MANE Select); the canonical splice donor site of the intron after coding-DNA position 1710, T replaced by C.
Molecular consequence: splice donor variant.
Genome position (GRCh38, 1-based): chr2:216,438,487, T>C. VCF-style: chr2-216438487-T-C. GRCh37 (hg19) VCF-style: chr2-217303210-T-C.
Other names: c.1710+2T>C (NM_001127207.2).
Identifiers: ClinVar variation 2992998 (VCV002992998.5), dbSNP rs2469003600, ClinGen allele CA350501415.